The following is an entry in ClinVar:

ClinVar aggregate classification (germline): Benign/Likely benign. Review status: criteria provided, multiple submitters, no conflicts (2 of 4 stars). 3 submissions from 3 submitters: Benign (2); Likely benign (1). Last evaluated 2022-04-01.

Allele frequency attached by ClinVar (database versions not stated): gnomAD 0.00515 and 0.00495; gnomAD exomes 0.00516; TOPMed 0.00560; ESP Exome Variant Server 0.00592; 1000 Genomes Project 0.00280; 1000 Genomes Project 30x 0.00281; ExAC 0.00501.
gnomAD v4.1: 11,172 of 1,613,426 alleles (0.69%); highest among the groups gnomAD compares: Non-Finnish European, 0.83%; 79 homozygotes.

Submissions (3):

CeGaT Center for Human Genetics Tuebingen
Classification: Likely benign. Last evaluated: 2022-04-01. Review status: criteria provided, single submitter. Criteria: CeGaT Center For Human Genetics Tuebingen Variant Classification Criteria Version 2. Collection method: clinical testing. Allele origin: germline. Affected: yes. Observed: 1 variant allele.
Comment: GAK: BP4, BP7

Labcorp Genetics (formerly Invitae), Labcorp
Classification: Benign. Last evaluated: 2018-04-25. Review status: criteria provided, single submitter. Criteria: Invitae Variant Classification Sherloc (09022015). Collection method: clinical testing. Allele origin: germline.

Breakthrough Genomics
Classification: Benign. Review status: criteria provided, single submitter. Criteria: ACMG Guidelines, 2015. Collection method: not provided. Allele origin: germline. Inheritance: Unknown mechanism. Affected: yes.

NM_005255.4(GAK):c.3060G>A (p.Glu1020=)

Gene: GAK (cyclin G associated kinase; minus strand). Cytogenetic location: 4p16.3.
Variant type: single nucleotide variant.
Coding change: c.3060G>A on transcript NM_005255.4 (MANE Select); coding-DNA position 3060, G replaced by A.
Protein change: p.Glu1020=; no amino-acid change (glutamic acid 1020 retained).
Molecular consequence: synonymous variant.
Genome position (GRCh38, 1-based): chr4:865,228, C>T on the plus strand (G>A on the coding strand, the complement: GAK is on the minus strand). VCF-style: chr4-865228-C-T. GRCh37 (hg19) VCF-style: chr4-859016-C-T.
Other names: c.2823G>A, p.Glu941= (NM_001318134.2).
Identifiers: ClinVar variation 779417 (VCV000779417.28), dbSNP rs142955360, ClinGen allele CA2797561.